The following is an entry in ClinVar:

NM_019032.6(ADAMTSL4):c.1132-11C>A

Genes: ADAMTSL4 (ADAMTS like 4; plus strand), ADAMTSL4-AS2 (ADAMTSL4 antisense RNA 2; minus strand). Cytogenetic location: 1q21.2.
Variant type: single nucleotide variant.
Coding change: c.1132-11C>A on transcript NM_019032.6 (MANE Select); 11 bases into the intron before coding-DNA position 1132, C replaced by A.
Molecular consequence: intron variant.
Genome position (GRCh38, 1-based): chr1:150,554,354, C>A. VCF-style: chr1-150554354-C-A. GRCh37 (hg19) VCF-style: chr1-150526830-C-A.
Other names: c.1132-11C>A (NM_001288608.2, NM_001288607.2, NM_001378596.1 and 1 more transcripts).
Identifiers: ClinVar variation 2043719 (VCV002043719.1), dbSNP rs1560290333, ClinGen allele CA2580061002.
Genomic context (GRCh38, chr1:150,554,354, plus strand): 5'-CCCCAGGTTCAGCCCTGCCCCTACCCTCATTTTGCTCCCCAGCTCTGACTCCTTTGTACC[C>A]CTCACCGCAGCCCTGCCCCCCTGAGCAGCCAGACCCCCGGGCCCTGCAGTGCGCAGCCTT-3'

ClinVar aggregate classification (germline): Uncertain significance (1 of 4 stars; one submission).

Allele frequency attached by ClinVar (database versions not stated): gnomAD exomes below 0.00001.
gnomAD v4.1: 1 of 1,611,294 alleles (0.000062%); highest among the groups gnomAD compares: Non-Finnish European, 0.000085%; no homozygotes.

Submission:

Labcorp Genetics (formerly Invitae), Labcorp
Classification: Uncertain significance. Last evaluated: 2022-05-03. Review status: criteria provided, single submitter. Criteria: Invitae Variant Classification Sherloc (09022015). Collection method: clinical testing. Allele origin: germline.
Comment: This sequence change falls in intron 6 of the ADAMTSL4 gene. It does not directly change the encoded amino acid sequence of the ADAMTSL4 protein. This variant is not present in population databases (gnomAD no frequency). This variant has not been reported in the literature in individuals affected with ADAMTSL4-related conditions. Algorithms developed to predict the effect of sequence changes on RNA splicing suggest that this variant may disrupt the consensus splice site. In summary, the available evidence is currently insufficient to determine the role of this variant in disease. Therefore, it has been classified as a Variant of Uncertain Significance.